The following is an entry in ClinVar:

NM_001556.3(IKBKB):c.854C>G (p.Pro285Arg)

Gene: IKBKB (inhibitor of nuclear factor kappa B kinase subunit beta; plus strand). Cytogenetic location: 8p11.21.
Variant type: single nucleotide variant.
Coding change: c.854C>G on transcript NM_001556.3 (MANE Select); coding-DNA position 854, C replaced by G.
Protein change: p.Pro285Arg; replaces proline 285 with arginine.
Molecular consequence: missense variant. On other transcripts: non-coding transcript variant (3).
Genome position (GRCh38, 1-based): chr8:42,316,263, C>G. VCF-style: chr8-42316263-C-G. GRCh37 (hg19) VCF-style: chr8-42173781-C-G.
Other names: c.662C>G, p.Pro221Arg (NM_001190720.3); c.677C>G, p.Pro226Arg (NM_001242778.2); short protein forms P285R, P226R, P221R.
Identifiers: ClinVar variation 2094222 (VCV002094222.4), dbSNP rs770202908, ClinGen allele CA4731826.

ClinVar aggregate classification (germline): Uncertain significance (1 of 4 stars; one submission).

Conditions:
Severe combined immunodeficiency due to IKK2 deficiency. Also called: Immunodeficiency 15; IMMUNODEFICIENCY 15B. Identifiers: Orphanet 397787, MedGen C4747743, MONDO:0014267, OMIM 615592.

Allele frequency attached by ClinVar (database versions not stated): ExAC 0.00001.
gnomAD v4.1: 2 of 1,614,090 alleles (0.00012%); highest among the groups gnomAD compares: Non-Finnish European, 0.00017%; no homozygotes.

Submission:

Labcorp Genetics (formerly Invitae), Labcorp
Classification: Uncertain significance for Severe combined immunodeficiency due to IKK2 deficiency. Last evaluated: 2022-03-18. Review status: criteria provided, single submitter. Criteria: Invitae Variant Classification Sherloc (09022015). Collection method: clinical testing. Allele origin: germline.
Comment: This sequence change replaces proline, which is neutral and non-polar, with arginine, which is basic and polar, at codon 285 of the IKBKB protein (p.Pro285Arg). This variant is present in population databases (rs770202908, gnomAD 0.0009%). This variant has not been reported in the literature in individuals affected with IKBKB-related conditions. Advanced modeling of protein sequence and biophysical properties (such as structural, functional, and spatial information, amino acid conservation, physicochemical variation, residue mobility, and thermodynamic stability) performed at Invitae indicates that this missense variant is not expected to disrupt IKBKB protein function. In summary, the available evidence is currently insufficient to determine the role of this variant in disease. Therefore, it has been classified as a Variant of Uncertain Significance.